The following is an entry in ClinVar:

NM_001267550.2(TTN):c.6341A>G (p.Asn2114Ser)

Gene: TTN (titin; minus strand). Cytogenetic location: 2q31.2.
Variant type: single nucleotide variant.
Coding change: c.6341A>G on transcript NM_001267550.2 (MANE Select); coding-DNA position 6341, A replaced by G.
Protein change: p.Asn2114Ser; replaces asparagine 2114 with serine.
Molecular consequence: missense variant.
Genome position (GRCh38, 1-based): chr2:178,775,523, T>C on the plus strand (A>G on the coding strand, the complement: TTN is on the minus strand). VCF-style: chr2-178775523-T-C. GRCh37 (hg19) VCF-style: chr2-179640250-T-C.
Other names: c.6341A>G, p.Asn2114Ser (NM_001256850.1, NM_133378.4, NM_133379.5); c.6203A>G, p.Asn2068Ser (NM_003319.4, NM_133432.3, NM_133437.4); short protein forms N2068S, N2114S.
Identifiers: ClinVar variation 1752185 (VCV001752185.2), dbSNP rs372289753, ClinGen allele CA2005067.
Genomic context (GRCh38, chr2:178,775,523, plus strand): 5'-CAAACATTGTCTTCGGGCCAGTACCAGTAGATCCGGTCAGACCGTTCAATTTTGACACCA[T>C]TTTTGTACCATTCACATTCGGGGTCTGGTTTCCCCACGACTCTGACCCGGAAGTGTGCAT-3'
Protein context (NP_001254479.2, residues 2104-2124): KPDPECEWYK[Asn2114Ser]GVKIERSDRI

ClinVar aggregate classification (germline): Uncertain significance (1 of 4 stars; one submission).

Conditions:
Cardiovascular phenotype. Identifiers: MedGen CN230736.

Allele frequency attached by ClinVar (database versions not stated): ExAC 0.00001; gnomAD 0.00001; gnomAD exomes 0.00001; TOPMed 0.00002; ESP Exome Variant Server 0.00008.
gnomAD v4.1: 4 of 1,613,888 alleles (0.00025%); highest among the groups gnomAD compares: Non-Finnish European, 0.00025%; no homozygotes.

Submission:

Ambry Genetics
Classification: Uncertain significance for Cardiovascular phenotype. Last evaluated: 2020-08-11. Review status: criteria provided, single submitter. Criteria: Ambry Variant Classification Scheme 2023. Collection method: clinical testing. Allele origin: germline.
Comment: The p.N2068S variant (also known as c.6203A>G), located in coding exon 26 of the TTN gene, results from an A to G substitution at nucleotide position 6203. The asparagine at codon 2068 is replaced by serine, an amino acid with highly similar properties. This amino acid position is highly conserved in available vertebrate species. In addition, this alteration is predicted to be tolerated by in silico analysis. Since supporting evidence is limited at this time, the clinical significance of this alteration remains unclear.